The following is an entry in ClinVar:

NM_003401.5(XRCC4):c.181A>G (p.Met61Val)

Gene: XRCC4 (X-ray repair cross complementing 4; plus strand). Cytogenetic location: 5q14.2.
Variant type: single nucleotide variant.
Coding change: c.181A>G on transcript NM_003401.5 (MANE Select); coding-DNA position 181, A replaced by G.
Protein change: p.Met61Val; replaces methionine 61 with valine.
Molecular consequence: missense variant.
Genome position (GRCh38, 1-based): chr5:83,111,069, A>G. VCF-style: chr5-83111069-A-G. GRCh37 (hg19) VCF-style: chr5-82406888-A-G.
Other names: c.181A>G, p.Met61Val (NM_001131022.1, NM_001318012.3, NM_001318013.2 and 2 more transcripts); short protein forms M61V.
Identifiers: ClinVar variation 2958203 (VCV002958203.3), dbSNP rs545670116, ClinGen allele CA3332101.

ClinVar aggregate classification (germline): Uncertain significance (1 of 4 stars; one submission).

Allele frequency attached by ClinVar (database versions not stated): gnomAD 0.00001; gnomAD exomes 0.00002; TOPMed 0.00002.
gnomAD v4.1: 24 of 1,611,500 alleles (0.0015%); highest among the groups gnomAD compares: Non-Finnish European, 0.002%; no homozygotes.

Submission:

Labcorp Genetics (formerly Invitae), Labcorp
Classification: Uncertain significance. Last evaluated: 2023-08-17. Review status: criteria provided, single submitter. Criteria: Invitae Variant Classification Sherloc (09022015). Collection method: clinical testing. Allele origin: germline.
Comment: In summary, the available evidence is currently insufficient to determine the role of this variant in disease. Therefore, it has been classified as a Variant of Uncertain Significance. This sequence change replaces methionine, which is neutral and non-polar, with valine, which is neutral and non-polar, at codon 61 of the XRCC4 protein (p.Met61Val). This variant is present in population databases (rs545670116, gnomAD 0.003%). This variant has not been reported in the literature in individuals affected with XRCC4-related conditions. Advanced modeling of protein sequence and biophysical properties (such as structural, functional, and spatial information, amino acid conservation, physicochemical variation, residue mobility, and thermodynamic stability) has been performed at Invitae for this missense variant, however the output from this modeling did not meet the statistical confidence thresholds required to predict the impact of this variant on XRCC4 protein function.